The following is an entry in ClinVar:

NM_030943.4(AMN):c.545del (p.Phe182fs)

Gene: AMN (amnion associated transmembrane protein; plus strand). Cytogenetic location: 14q32.32.
Variant type: Deletion.
Coding change: c.545del on transcript NM_030943.4 (MANE Select); coding-DNA position 545, one base deleted (T; older notation c.545delT).
Protein change: p.Phe182fs; shifts the reading frame from phenylalanine 182.
Molecular consequence: frameshift variant.
Genome position (GRCh38, 1-based): chr14:102,929,152, T deleted; the last of 4 consecutive T bases (chr14:102,929,149-102,929,152); deleting any one gives the same sequence. VCF-style (leftmost placement, unchanged base first): chr14-102929148-GT-G. GRCh37 (hg19) VCF-style: chr14-103395485-GT-G.
Other names: c.383delT, p.Phe128Serfs (NM_001425246.1); short protein forms F182fs.
Identifiers: ClinVar variation 2831451 (VCV002831451.3), dbSNP rs2542696599, ClinGen allele CA2739278300.

ClinVar aggregate classification (germline): Pathogenic (1 of 4 stars; one submission).

Conditions:
Imerslund-Grasbeck syndrome. Also called: Megaloblastic anemia due to inborn errors of metabolism; PERNICIOUS ANEMIA, JUVENILE, DUE TO SELECTIVE INTESTINAL MALABSORPTION OF VITAMIN B12, WITH PROTEINURIA; ENTEROCYTE COBALAMIN MALABSORPTION; ENTEROCYTE INTRINSIC FACTOR RECEPTOR, DEFECT OF; Imerslund-Gräsbeck syndrome. Identifiers: Orphanet 35858, MedGen C4551825, MONDO:0009853.

Submission:

Labcorp Genetics (formerly Invitae), Labcorp
Classification: Pathogenic for Imerslund-Grasbeck syndrome. Last evaluated: 2023-01-24. Review status: criteria provided, single submitter. Criteria: Invitae Variant Classification Sherloc (09022015). Collection method: clinical testing. Allele origin: germline.
Comment: For these reasons, this variant has been classified as Pathogenic. This variant has not been reported in the literature in individuals affected with AMN-related conditions. This variant is not present in population databases (gnomAD no frequency). This sequence change creates a premature translational stop signal (p.Phe182Serfs*17) in the AMN gene. It is expected to result in an absent or disrupted protein product. Loss-of-function variants in AMN are known to be pathogenic (PMID: 12590260, 22929189).

Literature cited by the submitters: PubMed 12590260; PubMed 22929189.